The following is an entry in ClinVar:

ClinVar aggregate classification (germline): Uncertain significance (1 of 4 stars; one submission).

Conditions:
Autosomal dominant nonsyndromic hearing loss 4B. Identifiers: Orphanet 90635, MedGen C3281297, MONDO:0013823, OMIM 614614.

Submission:

Precision Medicine Center, Zhengzhou University
Classification: Uncertain significance for Autosomal dominant nonsyndromic hearing loss 4B. Last evaluated: 2006-06-30. Review status: criteria provided, single submitter. Criteria: ClinGen HL ACMG Specifications v1. Collection method: clinical testing. Allele origin: paternal. Affected: yes.
Comment: PM2+PP1+PP3:The variant is absent or extremely rare in population databases (PM2). It shows limited co-segregation with hearing loss in affected family members (PP1), and multiple computational prediction tools suggest a deleterious effect on protein function (PP3). However, no functional studies, de novo occurrence, or sufficient independent clinical evidence are currently available. According to the ACMG/AMP guidelines, this variant is classified as Variant of Uncertain Significance (VUS).

NM_001039213.4(CEACAM16):c.1123G>C (p.Ala375Pro)

Genes: CEACAM16-AS1 (CEACAM16, CEACAM19 and PVR antisense RNA 1; minus strand), CEACAM16 (CEA cell adhesion molecule 16, tectorial membrane component; plus strand). Cytogenetic location: 19q13.32.
Variant type: single nucleotide variant.
Coding change: c.1123G>C on transcript NM_001039213.4 (MANE Select); coding-DNA position 1123, G replaced by C.
Protein change: p.Ala375Pro; replaces alanine 375 with proline.
Molecular consequence: missense variant.
Genome position (GRCh38, 1-based): chr19:44,708,043, G>C. VCF-style: chr19-44708043-G-C. GRCh37 (hg19) VCF-style: chr19-45211315-G-C.
Other names: short protein forms A375P.
Identifiers: ClinVar variation 4857398 (VCV004857398.1).